The following is an entry in ClinVar:

NM_021830.5(TWNK):c.1729_1732del (p.Ala577fs)

Gene: TWNK (twinkle mtDNA helicase; plus strand). Cytogenetic location: 10q24.31.
Variant type: Deletion.
Coding change: c.1729_1732del on transcript NM_021830.5 (MANE Select); coding-DNA positions 1729 to 1732, 4 bases deleted (GCCA; older notation c.1729_1732delGCCA).
Protein change: p.Ala577fs; shifts the reading frame from alanine 577.
Molecular consequence: frameshift variant. On other transcripts: non-coding transcript variant (5).
Genome position (GRCh38, 1-based): chr10:100,991,005-100,991,008, GCCA deleted; deleting any 4 consecutive bases within chr10:100,991,003-100,991,008 gives the same sequence; the c. name uses the placement nearest the transcript's 3' end. VCF-style (leftmost placement, unchanged base first): chr10-100991002-TCAGC-T. GRCh37 (hg19) VCF-style: chr10-102750759-TCAGC-T.
Other names: c.1729_1732del, p.Ala577fs (NM_001163812.2); c.367_370del, p.Ala123fs (NM_001163813.2, NM_001163814.2, NM_001368275.1); short protein forms A123fs, A577fs.
Identifiers: ClinVar variation 1708153 (VCV001708153.1), dbSNP rs2493642676, ClinGen allele CA2580081139.
Genomic context (GRCh38, chr10:100,991,002, plus strand): 5'-GTCATTCACCCCCGGAAAGAGGATGATGACAAGGAACTGCAGACAGCGTCCATTTTTGGC[TCAGC>T]CAAAGTGAGTGGCCTTTAGCGGAGCTCAAGCTTTGGAAAATAGAGTGGGTAGGTGTGACC-3'

ClinVar aggregate classification (germline): Pathogenic (1 of 4 stars; one submission).

Conditions:
Infantile onset spinocerebellar ataxia (MTDPS7). Also called: OPHTHALMOPLEGIA, HYPOTONIA, ATAXIA, HYPOACUSIS, AND ATHETOSIS; OHAHA SYNDROME; SPINOCEREBELLAR ATAXIA, INFANTILE, WITH SENSORY NEUROPATHY; Mitochondrial DNA depletion syndrome 7 (hepatocerebral type). Identifiers: Orphanet 1186, MedGen C1849096, MONDO:0010060, OMIM 271245.

Submission:

Laboratory of Medical Genetics, National & Kapodistrian University of Athens
Classification: Pathogenic for Infantile onset spinocerebellar ataxia. Last evaluated: 2022-02-18. Review status: criteria provided, single submitter. Criteria: ACMG Guidelines, 2015. Collection method: clinical testing. Allele origin: germline. Affected: yes.
Comment: PVS1, PM2, PP3